The following is an entry in ClinVar:

NM_003722.5(TP63):c.1877T>G (p.Val626Gly)

Gene: TP63 (tumor protein p63; plus strand). Cytogenetic location: 3q28.
Variant type: single nucleotide variant.
Coding change: c.1877T>G on transcript NM_003722.5 (MANE Select); coding-DNA position 1877, T replaced by G.
Protein change: p.Val626Gly; replaces valine 626 with glycine.
Molecular consequence: missense variant. On other transcripts: 3 prime UTR variant (6).
Genome position (GRCh38, 1-based): chr3:189,894,336, T>G. VCF-style: chr3-189894336-T-G. GRCh37 (hg19) VCF-style: chr3-189612125-T-G.
Other names: c.*115T>G (NM_001114978.2, NM_001114981.2); c.1595T>G, p.Val532Gly (NM_001114980.2); c.*105T>G (NM_001329144.2, NM_001329145.2, NM_001329149.2 and 1 more transcripts); c.1340T>G, p.Val447Gly (NM_001329146.2); c.1865T>G, p.Val622Gly (NM_001329148.2); c.1871T>G, p.Val624Gly (NM_001329964.2); short protein forms V532G, V447G, V624G, V626G, V622G.
Identifiers: ClinVar variation 901669 (VCV000901669.12), dbSNP rs372318389, ClinGen allele CA2752590.

ClinVar aggregate classification (germline): Conflicting classifications of pathogenicity. Review status: criteria provided, conflicting classifications (1 of 4 stars). 5 submissions from 3 submitters: Uncertain significance (3); Benign (2). Last evaluated 2025-01-29.

Conditions:
Inborn genetic diseases. Identifiers: MedGen C0950123, MeSH D030342.
TP63-Related Spectrum Disorders.
Orofacial cleft 8. Also called: Cleft lip with or without cleft palate, nonsyndromic, 8. Identifiers: MedGen C1851878, MONDO:0029145, OMIM 618149.
Ectrodactyly, ectodermal dysplasia, and cleft lip-palate syndrome 3. Also called: Ectrodactyly, Ectodermal Dysplasia, Cleft Lip/Palate Syndrome 3 (EEC3); Ectrodactyly, Ectodermal Dysplasia, Clefting Syndrome; EEC SYNDROME 3; Ectrodactyly, Ectodermal Dysplasia, Clefting Syndrome Type 3 (EEC3). Identifiers: Orphanet 1896, MedGen C1858562, MONDO:0011428, OMIM 604292.

Allele frequency attached by ClinVar (database versions not stated): gnomAD exomes 0.00002; ExAC 0.00004; TOPMed 0.00007; gnomAD 0.00008 and 0.00010; ESP Exome Variant Server 0.00015.
gnomAD v4.1: 22 of 1,613,652 alleles (0.0014%); highest among the groups gnomAD compares: African/African-American, 0.025%; no homozygotes.

Submissions (5):

Labcorp Genetics (formerly Invitae), Labcorp
Classification: Uncertain significance. Last evaluated: 2025-01-29. Review status: criteria provided, single submitter. Criteria: Invitae Variant Classification Sherloc (09022015). Collection method: clinical testing. Allele origin: germline.
Comment: This sequence change replaces valine, which is neutral and non-polar, with glycine, which is neutral and non-polar, at codon 626 of the TP63 protein (p.Val626Gly). The frequency data for this variant in the population databases is considered unreliable, as metrics indicate poor data quality at this position in the gnomAD database. This variant has not been reported in the literature in individuals affected with TP63-related conditions. ClinVar contains an entry for this variant (Variation ID: 901669). Invitae Evidence Modeling incorporating data from in vitro experimental studies (internal data) indicates that this missense variant is not expected to disrupt TP63 function with a negative predictive value of 80%. In summary, the available evidence is currently insufficient to determine the role of this variant in disease. Therefore, it has been classified as a Variant of Uncertain Significance.

Ambry Genetics
Classification: Uncertain significance for Inborn genetic diseases. Last evaluated: 2022-07-21. Review status: criteria provided, single submitter. Criteria: Ambry Variant Classification Scheme 2023. Collection method: clinical testing. Allele origin: germline.

Illumina Laboratory Services, Illumina
Classification: Benign for Ectrodactyly, ectodermal dysplasia, and cleft lip-palate syndrome 3. Last evaluated: 2018-01-13. Review status: criteria provided, single submitter. Criteria: ICSL Variant Classification Criteria 13 December 2019. Collection method: clinical testing. Allele origin: germline.
Comment: This variant was observed in the ICSL laboratory as part of a predisposition screen in an ostensibly healthy population. It had not been previously curated by ICSL or reported in the Human Gene Mutation Database (HGMD: prior to June 1st, 2018), and was therefore a candidate for classification through an automated scoring system. Utilizing variant allele frequency, disease prevalence and penetrance estimates, and inheritance mode, an automated score was calculated to assess if this variant is too frequent to cause the disease. Based on the score and internal cut-off values, a variant classified as benign is not then subjected to further curation. The score for this variant resulted in a classification of benign for this disease.

Illumina Laboratory Services, Illumina
Classification: Uncertain significance for Orofacial cleft 8. Last evaluated: 2018-01-13. Review status: criteria provided, single submitter. Criteria: ICSL Variant Classification Criteria 13 December 2019. Collection method: clinical testing. Allele origin: germline.

Illumina Laboratory Services, Illumina
Classification: Benign for TP63-Related Spectrum Disorders. Last evaluated: 2018-01-13. Review status: criteria provided, single submitter. Criteria: ICSL Variant Classification Criteria 13 December 2019. Collection method: clinical testing. Allele origin: germline.
Comment: the same text as in the submission from Illumina Laboratory Services, Illumina above.